The following is an entry in ClinVar:

NM_024596.5(MCPH1):c.790A>G (p.Ile264Val)

Gene: MCPH1 (microcephalin 1; plus strand). Cytogenetic location: 8p23.1.
Variant type: single nucleotide variant.
Coding change: c.790A>G on transcript NM_024596.5 (MANE Select); coding-DNA position 790, A replaced by G.
Protein change: p.Ile264Val; replaces isoleucine 264 with valine.
Molecular consequence: missense variant. On other transcripts: non-coding transcript variant (1).
Genome position (GRCh38, 1-based): chr8:6,444,512, A>G. VCF-style: chr8-6444512-A-G. GRCh37 (hg19) VCF-style: chr8-6302033-A-G.
Other names: c.790A>G, p.Ile264Val (NM_001172574.2, NM_001322042.2, NM_001363979.1 and 1 more transcripts); c.646A>G, p.Ile216Val (NM_001172575.2); c.784A>G, p.Ile262Val (NM_001322043.2); c.688A>G, p.Ile230Val (NM_001322045.2); c.790A>G (NM_001322042.1); short protein forms I264V, I230V, I262V, I216V.
Identifiers: ClinVar variation 158875 (VCV000158875.22), dbSNP rs34121009, ClinGen allele CA172544.

ClinVar aggregate classification (germline): Benign. Review status: criteria provided, multiple submitters, no conflicts (2 of 4 stars). 7 submissions from 7 submitters: Benign (6). 1 of the submissions does not count toward it. Last evaluated 2026-02-04.

Conditions:
MCPH1-related disorder. Also called: MCPH1-related condition.
Microcephaly 1, primary, autosomal recessive (MCPH1). Also called: PREMATURE CHROMOSOME CONDENSATION SYNDROME; PCC SYNDROME; PREMATURE CHROMOSOME CONDENSATION WITH MICROCEPHALY AND MENTAL RETARDATION. Identifiers: Orphanet 2512, MedGen C1855081, MONDO:0009617, OMIM 251200.

Allele frequency attached by ClinVar (database versions not stated): gnomAD exomes 0.00374 and 0.01005; ExAC 0.01230; gnomAD 0.03914 and 0.04213; ESP Exome Variant Server 0.04061; 1000 Genomes Project 0.04313; 1000 Genomes Project 30x 0.04435; TOPMed 0.04514.

Submissions (7):

Labcorp Genetics (formerly Invitae), Labcorp
Classification: Benign. Last evaluated: 2026-02-04. Review status: criteria provided, single submitter. Criteria: Invitae Variant Classification Sherloc (09022015). Collection method: clinical testing. Allele origin: germline.

Athena Diagnostics
Classification: Benign. Last evaluated: 2018-11-20. Review status: criteria provided, single submitter. Criteria: Athena Diagnostics Criteria. Collection method: clinical testing. Allele origin: germline.

Illumina Laboratory Services, Illumina
Classification: Benign for Microcephaly 1, primary, autosomal recessive. Last evaluated: 2018-01-12. Review status: criteria provided, single submitter. Criteria: ICSL Variant Classification Criteria 13 December 2019. Collection method: clinical testing. Allele origin: germline.
Comment: This variant was observed in the ICSL laboratory as part of a predisposition screen in an ostensibly healthy population. It had not been previously curated by ICSL or reported in the Human Gene Mutation Database (HGMD: prior to June 1st, 2018), and was therefore a candidate for classification through an automated scoring system. Utilizing variant allele frequency, disease prevalence and penetrance estimates, and inheritance mode, an automated score was calculated to assess if this variant is too frequent to cause the disease. Based on the score and internal cut-off values, a variant classified as benign is not then subjected to further curation. The score for this variant resulted in a classification of benign for this disease.

GeneDx
Classification: Benign. Last evaluated: 2015-03-03. Review status: criteria provided, single submitter. Criteria: GeneDx Variant Classification Process June 2021. Collection method: clinical testing. Allele origin: germline. Affected: yes.

Genetic Services Laboratory, University of Chicago
Classification: Benign. Last evaluated: 2013-03-11. Review status: criteria provided, single submitter. Criteria: ACMG Guidelines, 2007. Collection method: clinical testing. Allele origin: germline. Inheritance: Autosomal recessive inheritance.

Breakthrough Genomics
Classification: Benign. Review status: criteria provided, single submitter. Criteria: ACMG Guidelines, 2015. Collection method: not provided. Allele origin: germline. Inheritance: Autosomal recessive inheritance. Affected: yes.

PreventionGenetics, part of Exact Sciences
Classification: Benign for MCPH1-related condition. Last evaluated: 2019-05-30. Review status: no assertion criteria provided. Collection method: clinical testing. Allele origin: germline. Not counted in ClinVar's aggregate classification.
Comment: This variant is classified as benign based on ACMG/AMP sequence variant interpretation guidelines (Richards et al. 2015 PMID: 25741868, with internal and published modifications).